The following is an entry in ClinVar:

NM_032578.4(MYPN):c.3457G>C (p.Gly1153Arg)

Gene: MYPN (myopalladin; plus strand). Cytogenetic location: 10q21.3.
Variant type: single nucleotide variant.
Coding change: c.3457G>C on transcript NM_032578.4 (MANE Select); coding-DNA position 3457, G replaced by C.
Protein change: p.Gly1153Arg; replaces glycine 1153 with arginine.
Molecular consequence: missense variant. On other transcripts: non-coding transcript variant (2).
Genome position (GRCh38, 1-based): chr10:68,199,539, G>C. VCF-style: chr10-68199539-G-C. GRCh37 (hg19) VCF-style: chr10-69959296-G-C.
Other names: c.3457G>C, p.Gly1153Arg (NM_001256267.2); c.2575G>C, p.Gly859Arg (NM_001256268.2); short protein forms G1153R, G859R.
Identifiers: ClinVar variation 3228171 (VCV003228171.1), dbSNP rs763805681, ClinGen allele CA376859360.
Genomic context (GRCh38, chr10:68,199,539, plus strand): 5'-ATTGACCCACTCACTCAGCGCGACGCAGGGACCTATAAGTGCATCGCTACCAACAAAACC[G>C]GGCAGAATTCTTTTAGTCTGGAGCTCTCTGTAGTAGGTAAGGTTTGCTGCTGGGACCCCT-3'
Protein context (NP_115967.2, residues 1143-1163): TYKCIATNKT[Gly1153Arg]QNSFSLELSV

ClinVar aggregate classification (germline): Uncertain significance (1 of 4 stars; one submission).

Conditions:
Cardiovascular phenotype. Identifiers: MedGen CN230736.

Submission:

Ambry Genetics
Classification: Uncertain significance for Cardiovascular phenotype. Last evaluated: 2024-03-13. Review status: criteria provided, single submitter. Criteria: Ambry Variant Classification Scheme 2023. Collection method: clinical testing. Allele origin: germline.
Comment: The p.G1153R variant (also known as c.3457G>C), located in coding exon 16 of the MYPN gene, results from a G to C substitution at nucleotide position 3457. The glycine at codon 1153 is replaced by arginine, an amino acid with dissimilar properties. This amino acid position is highly conserved in available vertebrate species. In addition, this alteration is predicted to be deleterious by in silico analysis. Based on the available evidence, the clinical significance of this alteration remains unclear.